The following is an entry in ClinVar:

NM_001267550.2(TTN):c.47268T>A (p.Tyr15756Ter)

Genes: TTN (titin; minus strand), TTN-AS1 (TTN antisense RNA 1; plus strand). Cytogenetic location: 2q31.2.
Variant type: single nucleotide variant.
Coding change: c.47268T>A on transcript NM_001267550.2 (MANE Select); coding-DNA position 47268, T replaced by A.
Protein change: p.Tyr15756Ter; replaces tyrosine 15756 with a stop codon.
Molecular consequence: nonsense.
Genome position (GRCh38, 1-based): chr2:178,618,190, A>T on the plus strand (T>A on the coding strand, the complement: TTN is on the minus strand). VCF-style: chr2-178618190-A-T. GRCh37 (hg19) VCF-style: chr2-179482917-A-T.
Other names: c.42345T>A, p.Tyr14115Ter (NM_001256850.1); c.20073T>A, p.Tyr6691Ter (NM_003319.4); c.39564T>A, p.Tyr13188Ter (NM_133378.4); c.20448T>A, p.Tyr6816Ter (NM_133432.3); c.20649T>A, p.Tyr6883Ter (NM_133437.4); short protein forms Y13188*, Y14115*, Y15756*, Y6691*, Y6816*, Y6883*.
Identifiers: ClinVar variation 2575724 (VCV002575724.3), dbSNP rs767648160, ClinGen allele CA349618597.

ClinVar aggregate classification (germline): Likely pathogenic (1 of 4 stars; one submission).

Submission:

GeneDx
Classification: Likely pathogenic. Last evaluated: 2025-08-22. Review status: criteria provided, single submitter. Criteria: GeneDx Variant Classification Process June 2021. Collection method: clinical testing. Allele origin: germline. Affected: yes.
Comment: Nonsense variant predicted to result in protein truncation or nonsense mediated decay in a gene for which loss of function is a known mechanism of disease; Not observed at significant frequency in large population cohorts (gnomAD); Has not been previously published as pathogenic or benign to our knowledge; Located in the A-band, a region of TTN for which truncating variants are significantly associated with autosomal dominant cardiomyopathy and also with autosomal recessive skeletal myopathies (PMID: 22335739, 32778822); This variant is associated with the following publications: (PMID: 22335739, 32778822)